The following is an entry in ClinVar:

NM_004612.4(TGFBR1):c.779T>A (p.Leu260Gln)

Gene: TGFBR1 (transforming growth factor beta receptor 1; plus strand). Cytogenetic location: 9q22.33.
Variant type: single nucleotide variant.
Coding change: c.779T>A on transcript NM_004612.4 (MANE Select); coding-DNA position 779, T replaced by A.
Protein change: p.Leu260Gln; replaces leucine 260 with glutamine.
Molecular consequence: missense variant.
Genome position (GRCh38, 1-based): chr9:99,138,063, T>A. VCF-style: chr9-99138063-T-A. GRCh37 (hg19) VCF-style: chr9-101900345-T-A.
Other names: c.548T>A, p.Leu183Gln (NM_001130916.3); c.791T>A, p.Leu264Gln (NM_001306210.2); short protein forms L260Q, L264Q, L183Q.
Identifiers: ClinVar variation 45099 (VCV000045099.10), dbSNP rs397517033, ClinGen allele CA008863.

ClinVar aggregate classification (germline): Conflicting classifications of pathogenicity. Review status: criteria provided, conflicting classifications (1 of 4 stars). 2 submissions from 2 submitters: Pathogenic (1); Uncertain significance (1). Last evaluated 2022-01-20.

Conditions:
Familial thoracic aortic aneurysm and aortic dissection (TAAD). Also called: Thoracic aortic aneurysms and dissections. Identifiers: Orphanet 91387, MedGen C4707243, MONDO:0019625.

Submissions (2):

Labcorp Genetics (formerly Invitae), Labcorp
Classification: Pathogenic for Familial thoracic aortic aneurysm and aortic dissection. Last evaluated: 2022-01-20. Review status: criteria provided, single submitter. Criteria: Invitae Variant Classification Sherloc (09022015). Collection method: clinical testing. Allele origin: germline.
Comment: This missense change has been observed in individual(s) with clinical features of Loeys-Dietz syndrome (Invitae). In at least one individual the variant was observed to be de novo. This variant is not present in population databases (gnomAD no frequency). This sequence change replaces leucine, which is neutral and non-polar, with glutamine, which is neutral and polar, at codon 260 of the TGFBR1 protein (p.Leu260Gln). ClinVar contains an entry for this variant (Variation ID: 45099). Advanced modeling of protein sequence and biophysical properties (such as structural, functional, and spatial information, amino acid conservation, physicochemical variation, residue mobility, and thermodynamic stability) performed at Invitae indicates that this missense variant is expected to disrupt TGFBR1 protein function. Algorithms developed to predict the effect of sequence changes on RNA splicing suggest that this variant may create or strengthen a splice site. For these reasons, this variant has been classified as Pathogenic.

Laboratory for Molecular Medicine, Mass General Brigham Personalized Medicine
Classification: Uncertain significance. Last evaluated: 2012-02-21. Review status: criteria provided, single submitter. Criteria: LMM Criteria. Collection method: clinical testing. Allele origin: germline. Observed: 1 variant allele.
Comment: The Leu260Gln variant (TGFBR1) has not been reported in the literature nor previ ously identified by our laboratory. Computational analyses (biochemical amino ac id properties, conservation, PolyPhen2, and SIFT) suggest that the Leu260Gln var iant may impact the protein, though this information is not predictive enough to determine pathogenicity. In the absence of additional information, the clinical significance of the this variant cannot be assessed at this time.